The following is an entry in ClinVar:

NM_016138.5(COQ7):c.218T>A (p.Val73Asp)

Gene: COQ7 (coenzyme Q7, hydroxylase; plus strand). Cytogenetic location: 16p12.3.
Variant type: single nucleotide variant.
Coding change: c.218T>A on transcript NM_016138.5 (MANE Select); coding-DNA position 218, T replaced by A.
Protein change: p.Val73Asp; replaces valine 73 with aspartic acid.
Molecular consequence: missense variant. On other transcripts: non-coding transcript variant (3).
Genome position (GRCh38, 1-based): chr16:19,072,072, T>A. VCF-style: chr16-19072072-T-A. GRCh37 (hg19) VCF-style: chr16-19083394-T-A.
Other names: c.104T>A, p.Val35Asp (NM_001190983.2, NM_001370492.1, NM_001370493.1 and 2 more transcripts); c.176T>A, p.Val59Asp (NM_001370489.1, NM_001370491.1); c.218T>A, p.Val73Asp (NM_001370490.1); short protein forms V59D, V35D, V73D.
Identifiers: ClinVar variation 2585135 (VCV002585135.1), dbSNP rs1344921976, ClinGen allele CA394919439.

ClinVar aggregate classification (germline): Uncertain significance (1 of 4 stars; one submission).

Conditions:
Primary coenzyme Q10 deficiency 8. Identifiers: MedGen C4225226, MONDO:0014754, OMIM 616733.

Allele frequency attached by ClinVar (database versions not stated): gnomAD exomes 0.00001.
gnomAD v4.1: 4 of 1,614,208 alleles (0.00025%); highest among the groups gnomAD compares: Admixed American, 0.0067%; no homozygotes.

Submission:

Neuberg Centre For Genomic Medicine, NCGM
Classification: Uncertain significance for Primary coenzyme Q10 deficiency 8. Review status: criteria provided, single submitter. Criteria: ACMG Guidelines, 2015. Collection method: clinical testing. Allele origin: germline. Inheritance: Autosomal recessive inheritance. Affected: yes.
Comment: The missense c.218T>A (p.Val73Asp) variant in COQ7 gene has not been reported previously as a pathogenic variant nor as a benign variant, to our knowledge. The variant is observed in 0.001% alleles in gnomAD Exomes and is novel (not in any individuals) in 1000 Genomes. The amino acid Val at position 73 is changed to a Asp changing protein sequence and it might alter its composition and physico-chemical properties. The amino acid change p.Val73Asp in COQ7 is predicted as conserved by GERP++ and PhyloP across 100 vertebrates. For these reasons, this variant has been classified as Uncertain Significance